The following is an entry in ClinVar:

ClinVar aggregate classification (germline): Likely benign (0 of 4 stars; one submission).

Conditions:
AR-related disorder. Also called: AR-related condition.

Submission:

PreventionGenetics, part of Exact Sciences
Classification: Likely benign for AR-related condition. Last evaluated: 2023-01-30. Review status: no assertion criteria provided. Collection method: clinical testing. Allele origin: germline.
Comment: This variant is classified as likely benign based on ACMG/AMP sequence variant interpretation guidelines (Richards et al. 2015 PMID: 25741868, with internal and published modifications).

NM_000044.6(AR):c.171GCA[8] (p.Gln66_Gln80del)

Genes: AR (androgen receptor; plus strand), LOC109504725 (androgen receptor repeat instability region; plus strand). Cytogenetic location: Xq12.
Variant type: Microsatellite.
Coding change: c.171GCA[8] on transcript NM_000044.6 (MANE Select); eight copies in a row of the 3-base unit GCA starting at c.171; the reference has 23 copies in a row; 15 copies, 45 bases deleted.
Protein change: p.Gln66_Gln80del.
Molecular consequence: 5 prime UTR variant (on NM_001011645.3). On other transcripts: inframe indel (1).
Genome position (GRCh38, 1-based): chrX:67,545,341-67,545,385, 45 bases deleted; deleting any 45 consecutive bases within chrX:67,545,317-67,545,385 gives the same sequence; the position shown is the placement nearest the transcript's 3' end. GRCh37 (hg19), VCF-style position (the base before the change): chrX:66,765,158.
Other names: c.-1613GCA[8] (NM_001011645.3); c.171GCA[8], p.Gln66_Gln80del (NM_001348061.1, NM_001348063.1, NM_001348064.1); c.171_173GCA[8], p.Gln66_Gln80del (NM_001424175.1).
Identifiers: ClinVar variation 3047828 (VCV003047828.2), dbSNP rs3032358, ClinGen allele CA877548091.